The following is an entry in ClinVar:

NM_014297.5(ETHE1):c.505+1G>T

Gene: ETHE1 (ETHE1 persulfide dioxygenase; minus strand). Cytogenetic location: 19q13.31.
Variant type: single nucleotide variant.
Coding change: c.505+1G>T on transcript NM_014297.5 (MANE Select); the canonical splice donor site of the intron after coding-DNA position 505, G replaced by T.
Molecular consequence: splice donor variant.
Genome position (GRCh38, 1-based): chr19:43,511,436, C>A on the plus strand (G>T on the coding strand, the complement: ETHE1 is on the minus strand). VCF-style: chr19-43511436-C-A. GRCh37 (hg19) VCF-style: chr19-44015588-C-A.
Other names: IVS4DS, G-T, +1; c.211+1G>T (NM_001320869.2); c.136+1G>T (NM_001320868.2); c.472+1G>T (NM_001320867.2).
Identifiers: ClinVar variation 504502 (VCV000504502.7), dbSNP rs935855792, ClinGen allele CA406175434.

ClinVar aggregate classification (germline): Pathogenic. Review status: reviewed by expert panel (3 of 4 stars). 4 submissions from 4 submitters: Pathogenic (1). 3 of the submissions do not count toward it. Last evaluated 2021-07-27.

Conditions:
Ethylmalonic encephalopathy (EE). Also called: EPEMA syndrome; Encephalopathy, petechiae, and ethylmalonic aciduria; Syndrome of encephalopathy, petechiae, and ethylmalonic aciduria. Identifiers: Orphanet 51188, MedGen C1865349, MONDO:0011229, OMIM 602473. Disease mechanism: loss of function.

gnomAD v4.1: 2 of 1,614,192 alleles (0.00012%); highest among the groups gnomAD compares: Non-Finnish European, 0.00017%; no homozygotes.

Submissions (4):

ClinGen Mitochondrial Disease Nuclear and Mitochondrial  Variant Curation Expert Panel, ClinGen
Classification: Pathogenic for Ethylmalonic encephalopathy. Last evaluated: 2021-07-27. Review status: reviewed by expert panel. Criteria: clingen mito disease acmg specifications v1-1. Collection method: curation. Allele origin: germline. Inheritance: Autosomal recessive inheritance.
Comment: The c.505+1G>T variant (NM_014297.5) in ETHE1 occurs within the canonical splice donor/acceptor site (+1) of exon/intron 4 boundary (exon 4/7). It is predicted to cause aberrant splicing, resulting in a frameshift leading to nonsense mediated decay in a gene in which loss-of-function is an established disease mechanism (PVS1; PMID: 14732903). This prediction is supported by the absence of protein on Western blot of fibroblasts from patient J who was homozygous for this variant (PMID: 14732903). This variant is absent from gnomAD v2.1.1 (PM2). This variant was originally reported in a homozygote with developmental delay, petechiae, orthostatic acrocyanosis, chronic diarrhea, and ethylmalonic aciduria which is a phenotype highly specific to ethylmalonic encephalopathy (PP4_moderate; PMID: 14732903 patient J). While there are at least four homozygotes with ethylmalonic encephalopathy reported to date, parental linkage analyses have only been performed in one of these patients to confirm the variants were in trans (PM3_supporting; Total Score- 0.5; PMID: 14732903, PMID: 22584649, PMID: 18593870). In summary, this variant meets the criteria to be classified as pathogenic for Autosomal Recessive Ethylmalonic Encephalopathy. ACMG/AMP criteria applied, as specified by the ClinGen ETHE1 VCEP (version 1.0): PVS1, PM2, PM3_supporting, PP4_Moderate. Approved 7/6/2021.

Revvity Omics, Revvity
Classification: Pathogenic for Ethylmalonic encephalopathy. Last evaluated: 2022-05-31. Review status: criteria provided, single submitter. Criteria: ACMG Guidelines, 2015. Collection method: clinical testing. Allele origin: germline. Not counted in ClinVar's aggregate classification.

OMIM
Classification: Pathogenic for ENCEPHALOPATHY, ETHYLMALONIC. Last evaluated: 2008-07-01. Review status: no assertion criteria provided. Collection method: literature only. Allele origin: germline. Not counted in ClinVar's aggregate classification.

GeneReviews
No classification provided. Condition: Ethylmalonic encephalopathy. Review status: no classification provided. Collection method: literature only. Allele origin: germline. Not counted in ClinVar's aggregate classification.

Literature cited by the submitters: PubMed 18593870 (cited by OMIM); PubMed 14732903 (cited by OMIM); NCBI Bookshelf NBK453432 (cited by GeneReviews); PubMed 28933811 (cited by GeneReviews).